The following is an entry in ClinVar:

ClinVar aggregate classification (germline): Uncertain significance. Review status: criteria provided, multiple submitters, no conflicts (2 of 4 stars). 2 submissions from 2 submitters: Uncertain significance (2). Last evaluated 2023-08-29.

Conditions:
Severe combined immunodeficiency due to DNA-PKcs deficiency. Also called: IMMUNODEFICIENCY 26 WITH NEUROLOGIC ABNORMALITIES; Immunodeficiency 26 with or without neurologic abnormalities. Identifiers: Orphanet 317425, MedGen C4014833, MONDO:0014423, OMIM 615966.

Allele frequency attached by ClinVar (database versions not stated): TOPMed 0.00001; gnomAD 0.00002 and 0.00003; gnomAD exomes 0.00004 and 0.00008; ExAC 0.00011.
gnomAD v4.1: 60 of 1,613,928 alleles (0.0037%); highest among the groups gnomAD compares: South Asian, 0.035%; no homozygotes.

Submissions (2):

Blueprint Genetics
Classification: Uncertain significance. Last evaluated: 2023-08-29. Review status: criteria provided, single submitter. Criteria: ACMG Guidelines, 2015. Collection method: clinical testing. Allele origin: germline.

Labcorp Genetics (formerly Invitae), Labcorp
Classification: Uncertain significance for Severe combined immunodeficiency due to DNA-PKcs deficiency. Last evaluated: 2021-12-02. Review status: criteria provided, single submitter. Criteria: Invitae Variant Classification Sherloc (09022015). Collection method: clinical testing. Allele origin: germline.
Comment: This sequence change replaces lysine with glutamic acid at codon 2702 of the PRKDC protein (p.Lys2702Glu). The lysine residue is weakly conserved and there is a small physicochemical difference between lysine and glutamic acid. This variant is present in population databases (rs8178178, gnomAD 0.06%). This variant has not been reported in the literature in individuals affected with PRKDC-related conditions. ClinVar contains an entry for this variant (Variation ID: 1060845). Experimental studies and prediction algorithms are not available or were not evaluated, and the functional significance of this variant is currently unknown. In summary, the available evidence is currently insufficient to determine the role of this variant in disease. Therefore, it has been classified as a Variant of Uncertain Significance.

NM_006904.7(PRKDC):c.8104A>G (p.Lys2702Glu)

Gene: PRKDC (protein kinase, DNA-activated, catalytic subunit; minus strand). Cytogenetic location: 8q11.21.
Variant type: single nucleotide variant.
Coding change: c.8104A>G on transcript NM_006904.7 (MANE Select); coding-DNA position 8104, A replaced by G.
Protein change: p.Lys2702Glu; replaces lysine 2702 with glutamic acid.
Molecular consequence: missense variant.
Genome position (GRCh38, 1-based): chr8:47,834,244, T>C on the plus strand (A>G on the coding strand, the complement: PRKDC is on the minus strand). VCF-style: chr8-47834244-T-C. GRCh37 (hg19) VCF-style: chr8-48746805-T-C.
Other names: c.8104A>G, p.Lys2702Glu (NM_001081640.2); short protein forms K2702E.
Identifiers: ClinVar variation 1060845 (VCV001060845.3), dbSNP rs8178178, ClinGen allele CA4739944.